The following is an entry in ClinVar:

ClinVar aggregate classification (germline): Uncertain significance (1 of 4 stars; one submission).

Conditions:
Hereditary diffuse gastric adenocarcinoma (HDGC). Also called: DIFFUSE GASTRIC AND LOBULAR BREAST CANCER SYNDROME. Identifiers: Orphanet 26106, MedGen C1708349, MONDO:0007648, OMIM 137215.

Submission:

Labcorp Genetics (formerly Invitae), Labcorp
Classification: Uncertain significance for Hereditary diffuse gastric adenocarcinoma. Last evaluated: 2019-06-18. Review status: criteria provided, single submitter. Criteria: Invitae Variant Classification Sherloc (09022015). Collection method: clinical testing. Allele origin: germline.
Comment: This sequence change replaces leucine with arginine at codon 742 of the CDH1 protein (p.Leu742Arg). The leucine residue is highly conserved and there is a moderate physicochemical difference between leucine and arginine. This variant is not present in population databases (ExAC no frequency). This variant has not been reported in the literature in individuals with CDH1-related conditions. Algorithms developed to predict the effect of missense changes on protein structure and function (SIFT, PolyPhen-2, Align-GVGD) all suggest that this variant is likely to be disruptive, but these predictions have not been confirmed by published functional studies and their clinical significance is uncertain. In summary, the available evidence is currently insufficient to determine the role of this variant in disease. Therefore, it has been classified as a Variant of Uncertain Significance.

NM_004360.5(CDH1):c.2225T>G (p.Leu742Arg)

Gene: CDH1 (cadherin 1; plus strand). Cytogenetic location: 16q22.1.
Variant type: single nucleotide variant.
Coding change: c.2225T>G on transcript NM_004360.5 (MANE Select); coding-DNA position 2225, T replaced by G.
Protein change: p.Leu742Arg; replaces leucine 742 with arginine.
Molecular consequence: missense variant.
Genome position (GRCh38, 1-based): chr16:68,828,234, T>G. VCF-style: chr16-68828234-T-G. GRCh37 (hg19) VCF-style: chr16-68862137-T-G.
Other names: c.2042T>G, p.Leu681Arg (NM_001317184.2); c.677T>G, p.Leu226Arg (NM_001317185.2); c.260T>G, p.Leu87Arg (NM_001317186.2); short protein forms L226R, L87R, L681R, L742R.
Identifiers: ClinVar variation 940454 (VCV000940454.10), dbSNP rs1961377163, ClinGen allele CA396469677.